The following is an entry in ClinVar:

NM_001267550.2(TTN):c.11155A>C (p.Ile3719Leu)

Gene: TTN (titin; minus strand). Cytogenetic location: 2q31.2.
Variant type: single nucleotide variant.
Coding change: c.11155A>C on transcript NM_001267550.2 (MANE Select); coding-DNA position 11155, A replaced by C.
Protein change: p.Ile3719Leu; replaces isoleucine 3719 with leucine.
Molecular consequence: missense variant. On other transcripts: intron variant (5).
Genome position (GRCh38, 1-based): chr2:178,756,321, T>G on the plus strand (A>C on the coding strand, the complement: TTN is on the minus strand). VCF-style: chr2-178756321-T-G. GRCh37 (hg19) VCF-style: chr2-179621048-T-G.
Other names: c.10642A>C, p.Ile3548Leu (NM_133437.4); c.10165+2663A>C (NM_003319.4); c.10540+1221A>C (NM_133432.3); c.10303+2663A>C (NM_133378.4, NM_001256850.1, NM_133379.5); short protein forms I3548L, I3719L.
Identifiers: ClinVar variation 4975313 (VCV004975313.1).

ClinVar aggregate classification (germline): Uncertain significance (1 of 4 stars; one submission).

gnomAD v4.1: 1 of 1,613,916 alleles (0.000062%); highest among the groups gnomAD compares: East Asian, 0.0022%; no homozygotes.

Submission:

GeneDx
Classification: Uncertain significance. Last evaluated: 2026-01-27. Review status: criteria provided, single submitter. Criteria: GeneDx Variant Classification Process June 2021. Collection method: clinical testing. Allele origin: germline.
Comment: Not observed at significant frequency in large population cohorts (gnomAD); Missense variant in a gene in which most reported pathogenic variants are truncating/loss of function; Has not been previously published as pathogenic or benign to our knowledge